The following is an entry in ClinVar:

ClinVar aggregate classification (germline): Uncertain significance. Review status: criteria provided, multiple submitters, no conflicts (2 of 4 stars). 5 submissions from 5 submitters: Uncertain significance (5). Last evaluated 2025-08-21.

Conditions:
Inborn genetic diseases. Identifiers: MedGen C0950123, MeSH D030342.

Allele frequency attached by ClinVar (database versions not stated): gnomAD exomes 0.00001; TOPMed 0.00002; gnomAD 0.00003 and 0.00004; 1000 Genomes Project 0.00040; 1000 Genomes Project 30x 0.00062.
gnomAD v4.1: 15 of 1,608,700 alleles (0.00093%); highest among the groups gnomAD compares: Admixed American, 0.023%; no homozygotes.

Submissions (5):

Ambry Genetics
Classification: Uncertain significance for Inborn genetic diseases. Last evaluated: 2025-08-21. Review status: criteria provided, single submitter. Criteria: Ambry Variant Classification Scheme 2023. Collection method: clinical testing. Allele origin: germline.

GeneDx
Classification: Uncertain significance. Last evaluated: 2024-04-29. Review status: criteria provided, single submitter. Criteria: GeneDx Variant Classification Process June 2021. Collection method: clinical testing. Allele origin: germline. Affected: yes.
Comment: In silico analysis indicates that this missense variant does not alter protein structure/function; Has not been previously published as pathogenic or benign to our knowledge

Mayo Clinic Laboratories, Mayo Clinic
Classification: Uncertain significance. Last evaluated: 2023-10-10. Review status: criteria provided, single submitter. Criteria: ACMG Guidelines, 2015. Collection method: clinical testing. Allele origin: germline. Observed: 1 variant allele.
Comment: BP4, PM1, PM2_moderate

Labcorp Genetics (formerly Invitae), Labcorp
Classification: Uncertain significance. Last evaluated: 2022-07-19. Review status: criteria provided, single submitter. Criteria: Invitae Variant Classification Sherloc (09022015). Collection method: clinical testing. Allele origin: germline.
Comment: This sequence change replaces aspartic acid, which is acidic and polar, with histidine, which is basic and polar, at codon 197 of the BLOC1S3 protein (p.Asp197His). This variant is present in population databases (rs529880074, gnomAD 0.003%). This variant has not been reported in the literature in individuals affected with BLOC1S3-related conditions. ClinVar contains an entry for this variant (Variation ID: 1020326). Algorithms developed to predict the effect of missense changes on protein structure and function are either unavailable or do not agree on the potential impact of this missense change (SIFT: "Tolerated"; PolyPhen-2: "Probably Damaging"; Align-GVGD: "Class C0"). In summary, the available evidence is currently insufficient to determine the role of this variant in disease. Therefore, it has been classified as a Variant of Uncertain Significance.

Breakthrough Genomics
Classification: Uncertain significance. Review status: criteria provided, single submitter. Criteria: ACMG Guidelines, 2015. Collection method: not provided. Allele origin: germline. Inheritance: Autosomal dominant inheritance. Affected: yes.

NM_212550.5(BLOC1S3):c.589G>C (p.Asp197His)

Gene: BLOC1S3 (biogenesis of lysosomal organelles complex 1 subunit 3; plus strand). Cytogenetic location: 19q13.32.
Variant type: single nucleotide variant.
Coding change: c.589G>C on transcript NM_212550.5 (MANE Select); coding-DNA position 589, G replaced by C.
Protein change: p.Asp197His; replaces aspartic acid 197 with histidine.
Molecular consequence: missense variant.
Genome position (GRCh38, 1-based): chr19:45,179,885, G>C. VCF-style: chr19-45179885-G-C. GRCh37 (hg19) VCF-style: chr19-45683143-G-C.
Other names: p.Asp197His; c.589G>C (NM_212550.3); short protein forms D197H.
Identifiers: ClinVar variation 1020326 (VCV001020326.9), dbSNP rs529880074, ClinGen allele CA308943656.
Genomic context (GRCh38, chr19:45,179,885, plus strand): 5'-GTGGCTGGCTGCCGCCTGCTGCCGGACATCCGCGGCGTGCCAGGGACCGAGCCTGAGAAA[G>C]ACCCGGGGCCGCGGGCCTAGCCATGATTCTACTTCCCAACCTGACTGCAATTTGGGGGTA-3'
Protein context (NP_997715.1, residues 187-202): RGVPGTEPEK[Asp197His]PGPRA